The following is an entry in ClinVar:

ClinVar aggregate classification (germline): Pathogenic (1 of 4 stars; one submission).

Conditions:
Familial thoracic aortic aneurysm and aortic dissection (TAAD). Also called: Thoracic aortic aneurysms and dissections. Identifiers: Orphanet 91387, MedGen C4707243, MONDO:0019625.
Marfan syndrome (MFS). Also called: FBN1-Related Marfan Syndrome; Marfan's syndrome; MARFAN SYNDROME, TYPE I; Marfan syndrome type 1; Marfan syndrome, classic. Identifiers: Orphanet 284963, Orphanet 558, MedGen C0024796, MONDO:0007947, OMIM 154700.

Submission:

Labcorp Genetics (formerly Invitae), Labcorp
Classification: Pathogenic for Marfan syndrome; Familial thoracic aortic aneurysm and aortic dissection. Last evaluated: 2019-01-31. Review status: criteria provided, single submitter. Criteria: Invitae Variant Classification Sherloc (09022015). Collection method: clinical testing. Allele origin: germline.
Comment: This variant is not present in population databases (ExAC no frequency). This sequence change creates a premature translational stop signal (p.Asn156Metfs*34) in the FBN1 gene. It is expected to result in an absent or disrupted protein product. This variant has not been reported in the literature in individuals with FBN1-related conditions. Loss-of-function variants in FBN1 are known to be pathogenic (PMID: 17657824, 19293843). For these reasons, this variant has been classified as Pathogenic.

Literature cited by the submitters: PubMed 17657824; PubMed 19293843.

NM_000138.5(FBN1):c.465del (p.Asn156fs)

Gene: FBN1 (fibrillin 1; minus strand). Cytogenetic location: 15q21.1.
Variant type: Deletion.
Coding change: c.465del on transcript NM_000138.5 (MANE Select); coding-DNA position 465, one base deleted (C; older notation c.465delC).
Protein change: p.Asn156fs; shifts the reading frame from asparagine 156.
Molecular consequence: frameshift variant.
Genome position (GRCh38, 1-based): chr15:48,596,356, G deleted on the plus strand (C on the coding strand, the reverse complement: FBN1 is on the minus strand). VCF-style (leftmost placement, unchanged base first): chr15-48596355-TG-T. GRCh37 (hg19) VCF-style: chr15-48888552-TG-T.
Other names: short protein forms N156fs.
Identifiers: ClinVar variation 845299 (VCV000845299.7), dbSNP rs2044515899, ClinGen allele CA916082417.